The following is an entry in ClinVar:

ClinVar aggregate classification (germline): Uncertain significance (1 of 4 stars; one submission).

Conditions:
Bethlem myopathy 1A. Also called: Bethlem Muscular Dystrophy; Bethlem myopathy 1; MYOPATHY, BENIGN CONGENITAL, WITH CONTRACTURES. Identifiers: Orphanet 610, MedGen CN029274, MONDO:0024530, OMIM 158810.

Allele frequency attached by ClinVar (database versions not stated): gnomAD exomes below 0.00001.
gnomAD v4.1: 2 of 1,611,128 alleles (0.00012%); highest among the groups gnomAD compares: African/African-American, 0.0013%; no homozygotes.

Submission:

Labcorp Genetics (formerly Invitae), Labcorp
Classification: Uncertain significance for Bethlem myopathy 1A. Last evaluated: 2019-10-29. Review status: criteria provided, single submitter. Criteria: Invitae Variant Classification Sherloc (09022015). Collection method: clinical testing. Allele origin: germline.
Comment: This sequence change replaces serine with phenylalanine at codon 223 of the COL6A2 protein (p.Ser223Phe). The serine residue is weakly conserved and there is a large physicochemical difference between serine and phenylalanine. In summary, the available evidence is currently insufficient to determine the role of this variant in disease. Therefore, it has been classified as a Variant of Uncertain Significance. Algorithms developed to predict the effect of missense changes on protein structure and function are either unavailable or do not agree on the potential impact of this missense change (SIFT: "Tolerated"; PolyPhen-2: "Probably Damaging"; Align-GVGD: "Class C0"). This variant has not been reported in the literature in individuals with COL6A2-related conditions. This variant is not present in population databases (ExAC no frequency).

NM_001849.4(COL6A2):c.668C>T (p.Ser223Phe)

Gene: COL6A2 (collagen type VI alpha 2 chain; plus strand). Cytogenetic location: 21q22.3.
Variant type: single nucleotide variant.
Coding change: c.668C>T on transcript NM_001849.4 (MANE Select); coding-DNA position 668, C replaced by T.
Protein change: p.Ser223Phe; replaces serine 223 with phenylalanine.
Molecular consequence: missense variant.
Genome position (GRCh38, 1-based): chr21:46,112,531, C>T. VCF-style: chr21-46112531-C-T. GRCh37 (hg19) VCF-style: chr21-47532445-C-T.
Other names: c.668C>T, p.Ser223Phe (NM_058174.3, NM_058175.3); short protein forms S223F.
Identifiers: ClinVar variation 966435 (VCV000966435.10), dbSNP rs2078418524, ClinGen allele CA410522204.
Genomic context (GRCh38, chr21:46,112,531, plus strand): 5'-ACATCGCCAGCACGCCGCACGAGCTCTACCGCAACGACTACGCCACCATGCTGCCCGACT[C>T]CACCGAGATCGACCAGGACACCATCAACCGCATCATCAAGGTCATGGTGAGCCGCGGGCG-3'
Protein context (NP_001840.3, residues 213-233): RNDYATMLPD[Ser223Phe]TEIDQDTINR